The following is an entry in ClinVar:

NM_001042492.3(NF1):c.2291G>A (p.Arg764Lys)

Gene: NF1 (neurofibromin 1; plus strand). Cytogenetic location: 17q11.2.
Variant type: single nucleotide variant.
Coding change: c.2291G>A on transcript NM_001042492.3 (MANE Select); coding-DNA position 2291, G replaced by A.
Protein change: p.Arg764Lys; replaces arginine 764 with lysine.
Molecular consequence: missense variant.
Genome position (GRCh38, 1-based): chr17:31,227,257, G>A. VCF-style: chr17-31227257-G-A. GRCh37 (hg19) VCF-style: chr17-29554275-G-A.
Other names: c.2291G>A, p.Arg764Lys (NM_000267.4); short protein forms R764K.
Identifiers: ClinVar variation 1395377 (VCV001395377.9), dbSNP rs1170184937, ClinGen allele CA398982810.

ClinVar aggregate classification (germline): Uncertain significance. Review status: criteria provided, multiple submitters, no conflicts (2 of 4 stars). 2 submissions from 2 submitters: Uncertain significance (2). Last evaluated 2024-09-30.

Conditions:
Cardiovascular phenotype. Identifiers: MedGen CN230736.
Hereditary cancer-predisposing syndrome. Also called: Hereditary neoplastic syndrome; Neoplastic Syndromes, Hereditary; Hereditary Cancer Syndrome; Tumor predisposition. Identifiers: Orphanet 140162, MedGen C0027672, MeSH D009386, MONDO:0015356.
Neurofibromatosis, type 1 (NF1). Also called: VON RECKLINGHAUSEN DISEASE; Neurofibromatosis, type I; NEUROFIBROMATOSIS, TYPE I, SOMATIC; Peripheral type neurofibromatosis. Identifiers: Orphanet 636, MedGen C0027831, MONDO:0018975, OMIM 162200. Disease mechanism: loss of function.

Allele frequency attached by ClinVar (database versions not stated): gnomAD exomes below 0.00001.

Submissions (2):

Ambry Genetics
Classification: Uncertain significance for Cardiovascular phenotype; Hereditary cancer-predisposing syndrome. Last evaluated: 2024-09-30. Review status: criteria provided, single submitter. Criteria: Ambry Variant Classification Scheme 2023. Collection method: clinical testing. Allele origin: germline.
Comment: The p.R764K variant (also known as c.2291G>A), located in coding exon 19 of the NF1 gene, results from a G to A substitution at nucleotide position 2291. The arginine at codon 764 is replaced by lysine, an amino acid with highly similar properties. This amino acid position is conserved. In addition, the in silico prediction for this alteration is inconclusive. Based on the available evidence, the clinical significance of this variant remains unclear.

Labcorp Genetics (formerly Invitae), Labcorp
Classification: Uncertain significance for Neurofibromatosis, type 1. Last evaluated: 2022-05-10. Review status: criteria provided, single submitter. Criteria: Invitae Variant Classification Sherloc (09022015). Collection method: clinical testing. Allele origin: germline.
Comment: This sequence change replaces arginine, which is basic and polar, with lysine, which is basic and polar, at codon 764 of the NF1 protein (p.Arg764Lys). This variant is present in population databases (no rsID available, gnomAD 0.003%). In summary, the available evidence is currently insufficient to determine the role of this variant in disease. Therefore, it has been classified as a Variant of Uncertain Significance. Algorithms developed to predict the effect of missense changes on protein structure and function are either unavailable or do not agree on the potential impact of this missense change (SIFT: "Tolerated"; PolyPhen-2: "Probably Damaging"; Align-GVGD: "Class C0"). This variant has not been reported in the literature in individuals affected with NF1-related conditions.